The following is an entry in ClinVar:

ClinVar aggregate classification (germline): Uncertain significance (1 of 4 stars; one submission).

Conditions:
Cardiovascular phenotype. Identifiers: MedGen CN230736.

gnomAD v4.1: 1 of 1,614,224 alleles (0.000062%); highest among the groups gnomAD compares: Non-Finnish European, 0.000085%; no homozygotes.

Submission:

Ambry Genetics
Classification: Uncertain significance for Cardiovascular phenotype. Last evaluated: 2026-08-29. Review status: criteria provided, single submitter. Criteria: Ambry Variant Classification Scheme 2023. Collection method: clinical testing. Allele origin: germline.
Comment: The p.T200I variant (also known as c.599C>T), located in coding exon 4 of the PRKAG2 gene, results from a C to T substitution at nucleotide position 599. The threonine at codon 200 is replaced by isoleucine, an amino acid with similar properties. This amino acid position is conserved. In addition, this alteration is predicted to be tolerated by in silico analysis. Based on the available evidence, the clinical significance of this variant remains unclear.

NM_016203.4(PRKAG2):c.599C>T (p.Thr200Ile)

Gene: PRKAG2 (protein kinase AMP-activated non-catalytic subunit gamma 2; minus strand). Cytogenetic location: 7q36.1.
Variant type: single nucleotide variant.
Coding change: c.599C>T on transcript NM_016203.4 (MANE Select); coding-DNA position 599, C replaced by T.
Protein change: p.Thr200Ile; replaces threonine 200 with isoleucine.
Molecular consequence: missense variant. On other transcripts: intron variant (5).
Genome position (GRCh38, 1-based): chr7:151,675,505, G>A on the plus strand (C>T on the coding strand, the complement: PRKAG2 is on the minus strand). VCF-style: chr7-151675505-G-A. GRCh37 (hg19) VCF-style: chr7-151372591-G-A.
Other names: c.467C>T, p.Thr156Ile (NM_001040633.2, NM_001407024.1, NM_001407026.1 and 1 more transcripts); c.227C>T, p.Thr76Ile (NM_001304527.2, NM_001363698.2, NM_001407028.1 and 1 more transcripts); c.599C>T, p.Thr200Ile (NM_001407021.1, NM_001407022.1, NM_001407023.1); c.281C>T, p.Thr94Ile (NM_001407032.1); c.467-80054C>T (NM_001407031.1); c.467-80051C>T (NM_001407030.1); c.361-43367C>T (NM_001407033.1); c.94+60395C>T (NM_001407037.1); and 1 more; short protein forms T156I, T76I, T200I, T94I.
Identifiers: ClinVar variation 5027282 (VCV005027282.1).